The following is an entry in ClinVar:

ClinVar aggregate classification (germline): Uncertain significance (1 of 4 stars; one submission).

Conditions:
Episodic ataxia type 1 (EA1). Also called: MYOKYMIA WITH PERIODIC ATAXIA; PAROXYSMAL ATAXIA WITH NEUROMYOTONIA, HEREDITARY; Episodic ataxia/myokymia syndrome; ATAXIA, EPISODIC, WITH MYOKYMIA. Identifiers: Orphanet 37612, Orphanet 972, MedGen C1719788, MONDO:0008047, OMIM 160120.

Submission:

Labcorp Genetics (formerly Invitae), Labcorp
Classification: Uncertain significance for Episodic ataxia type 1. Last evaluated: 2024-10-21. Review status: criteria provided, single submitter. Criteria: Invitae Variant Classification Sherloc (09022015). Collection method: clinical testing. Allele origin: germline.
Comment: This sequence change replaces leucine, which is neutral and non-polar, with phenylalanine, which is neutral and non-polar, at codon 189 of the KCNA1 protein (p.Leu189Phe). This variant is not present in population databases (gnomAD no frequency). This variant has not been reported in the literature in individuals affected with KCNA1-related conditions. Invitae Evidence Modeling of protein sequence and biophysical properties (such as structural, functional, and spatial information, amino acid conservation, physicochemical variation, residue mobility, and thermodynamic stability) indicates that this missense variant is expected to disrupt KCNA1 protein function with a positive predictive value of 95%. In summary, the available evidence is currently insufficient to determine the role of this variant in disease. Therefore, it has been classified as a Variant of Uncertain Significance.

NM_000217.3(KCNA1):c.565C>T (p.Leu189Phe)

Gene: KCNA1 (potassium voltage-gated channel subfamily A member 1; plus strand). Cytogenetic location: 12p13.32.
Variant type: single nucleotide variant.
Coding change: c.565C>T on transcript NM_000217.3 (MANE Select); coding-DNA position 565, C replaced by T.
Protein change: p.Leu189Phe; replaces leucine 189 with phenylalanine.
Molecular consequence: missense variant.
Genome position (GRCh38, 1-based): chr12:4,911,943, C>T. VCF-style: chr12-4911943-C-T. GRCh37 (hg19) VCF-style: chr12-5021109-C-T.
Other names: short protein forms L189F.
Identifiers: ClinVar variation 3721120 (VCV003721120.2).